The following is an entry in ClinVar:

NM_024635.4(NAA35):c.628-1G>C

Gene: NAA35 (N-alpha-acetyltransferase 35, NatC auxiliary subunit; plus strand). Cytogenetic location: 9q21.33.
Variant type: single nucleotide variant.
Coding change: c.628-1G>C on transcript NM_024635.4 (MANE Select); the canonical splice acceptor site of the intron before coding-DNA position 628, G replaced by C.
Molecular consequence: splice acceptor variant.
Genome position (GRCh38, 1-based): chr9:85,976,684, G>C. VCF-style: chr9-85976684-G-C. GRCh37 (hg19) VCF-style: chr9-88591599-G-C.
Other names: c.628-1G>C (NM_001321881.2, NM_001321882.2).
Identifiers: ClinVar variation 3765770 (VCV003765770.1).

ClinVar aggregate classification (germline): Uncertain significance (1 of 4 stars; one submission).

Submission:

Greenwood Genetic Center Diagnostic Laboratories, Greenwood Genetic Center
Classification: Uncertain significance. Last evaluated: 2024-11-18. Review status: criteria provided, single submitter. Criteria: ACMG Guidelines, 2015. Collection method: clinical testing. Allele origin: germline. Affected: yes.
Comment: Gene of Uncertain Significance